The following is an entry in ClinVar:

NM_024675.4(PALB2):c.3526A>G (p.Lys1176Glu)

Gene: PALB2 (partner and localizer of BRCA2; minus strand). Cytogenetic location: 16p12.2.
Variant type: single nucleotide variant.
Coding change: c.3526A>G on transcript NM_024675.4 (MANE Select); coding-DNA position 3526, A replaced by G.
Protein change: p.Lys1176Glu; replaces lysine 1176 with glutamic acid.
Molecular consequence: missense variant. On other transcripts: 3 prime UTR variant (5).
Genome position (GRCh38, 1-based): chr16:23,603,494, T>C on the plus strand (A>G on the coding strand, the complement: PALB2 is on the minus strand). VCF-style: chr16-23603494-T-C. GRCh37 (hg19) VCF-style: chr16-23614815-T-C.
Other names: c.3466A>G, p.Lys1156Glu (NM_001407296.1); c.3454A>G, p.Lys1152Glu (NM_001407297.1); c.3364A>G, p.Lys1122Glu (NM_001407298.1); c.3289A>G, p.Lys1097Glu (NM_001407299.1); c.3247A>G, p.Lys1083Glu (NM_001407300.1); c.*161A>G (NM_001407301.1, NM_001407302.1, NM_001407310.1 and 2 more transcripts); c.2641A>G, p.Lys881Glu (NM_001407304.1, NM_001407305.1, NM_001407306.1); c.2479A>G, p.Lys827Glu (NM_001407307.1); and 3 more; short protein forms K1083E, K1097E, K1122E, K1152E, K1156E, K1176E, K354E, K580E.
Identifiers: ClinVar variation 3228035 (VCV003228035.1), dbSNP rs2142251404, ClinGen allele CA395137814.

ClinVar aggregate classification (germline): Uncertain significance (1 of 4 stars; one submission).

Conditions:
Hereditary cancer-predisposing syndrome. Also called: Neoplastic Syndromes, Hereditary; Tumor predisposition; Hereditary neoplastic syndrome; Hereditary Cancer Syndrome. Identifiers: Orphanet 140162, MedGen C0027672, MeSH D009386, MONDO:0015356.

Submission:

Ambry Genetics
Classification: Uncertain significance for Hereditary cancer-predisposing syndrome. Last evaluated: 2023-10-12. Review status: criteria provided, single submitter. Criteria: Ambry Variant Classification Scheme 2023. Collection method: clinical testing. Allele origin: germline.
Comment: The p.K1176E variant (also known as c.3526A>G), located in coding exon 13 of the PALB2 gene, results from an A to G substitution at nucleotide position 3526. The lysine at codon 1176 is replaced by glutamic acid, an amino acid with similar properties. This amino acid position is conserved. In addition, this alteration is predicted to be tolerated by in silico analysis. Since supporting evidence is limited at this time, the clinical significance of this alteration remains unclear.